The following is an entry in ClinVar:

NM_001080516.2(GRXCR2):c.553C>T (p.Arg185Trp)

Gene: GRXCR2 (glutaredoxin and cysteine rich domain containing 2; minus strand). Cytogenetic location: 5q32.
Variant type: single nucleotide variant.
Coding change: c.553C>T on transcript NM_001080516.2 (MANE Select); coding-DNA position 553, C replaced by T.
Protein change: p.Arg185Trp; replaces arginine 185 with tryptophan.
Molecular consequence: missense variant.
Genome position (GRCh38, 1-based): chr5:145,866,512, G>A on the plus strand (C>T on the coding strand, the complement: GRXCR2 is on the minus strand). VCF-style: chr5-145866512-G-A. GRCh37 (hg19) VCF-style: chr5-145246075-G-A.
Other names: short protein forms R185W.
Identifiers: ClinVar variation 2081700 (VCV002081700.1), dbSNP rs767999715, ClinGen allele CA3487993.

ClinVar aggregate classification (germline): Uncertain significance (1 of 4 stars; one submission).

Allele frequency attached by ClinVar (database versions not stated): ExAC 0.00007; gnomAD 0.00009.
gnomAD v4.1: 248 of 1,613,248 alleles (0.015%); highest among the groups gnomAD compares: Non-Finnish European, 0.02%; 1 homozygote.

Submission:

Labcorp Genetics (formerly Invitae), Labcorp
Classification: Uncertain significance. Last evaluated: 2022-10-05. Review status: criteria provided, single submitter. Criteria: Invitae Variant Classification Sherloc (09022015). Collection method: clinical testing. Allele origin: germline.
Comment: This sequence change replaces arginine, which is basic and polar, with tryptophan, which is neutral and slightly polar, at codon 185 of the GRXCR2 protein (p.Arg185Trp). This variant is present in population databases (rs767999715, gnomAD 0.02%). This variant has not been reported in the literature in individuals affected with GRXCR2-related conditions. Algorithms developed to predict the effect of missense changes on protein structure and function are either unavailable or do not agree on the potential impact of this missense change (SIFT: "Deleterious"; PolyPhen-2: "Possibly Damaging"; Align-GVGD: "Class C0"). In summary, the available evidence is currently insufficient to determine the role of this variant in disease. Therefore, it has been classified as a Variant of Uncertain Significance.